The following is an entry in ClinVar:

NM_033018.4(CDK16):c.9C>G (p.Ser3=)

Gene: CDK16 (cyclin dependent kinase 16; plus strand). Cytogenetic location: Xp11.3.
Variant type: single nucleotide variant.
Coding change: c.9C>G on transcript NM_033018.4; coding-DNA position 9, C replaced by G.
Protein change: p.Ser3=; no amino-acid change (serine 3 retained).
Molecular consequence: synonymous variant. On other transcripts: missense variant (2).
Genome position (GRCh38, 1-based): chrX:47,218,661, C>G. VCF-style: chrX-47218661-C-G. GRCh37 (hg19) VCF-style: chrX-47078060-C-G.
Other names: c.50C>G, p.Pro17Arg (NM_001440783.1, NM_001440784.1); c.9C>G, p.Ser3= (NM_001440785.1); short protein forms P17R.
Identifiers: ClinVar variation 2660412 (VCV002660412.22), dbSNP rs782533683, ClinGen allele CA10396303.

ClinVar aggregate classification (germline): Likely benign (1 of 4 stars; one submission).

Allele frequency attached by ClinVar (database versions not stated): TOPMed 0.00020; gnomAD 0.00017; ExAC 0.00044; 1000 Genomes Project 30x 0.00062.

Submission:

CeGaT Center for Human Genetics Tuebingen
Classification: Likely benign. Last evaluated: 2022-04-01. Review status: criteria provided, single submitter. Criteria: CeGaT Center For Human Genetics Tuebingen Variant Classification Criteria Version 2. Collection method: clinical testing. Allele origin: germline. Affected: yes. Observed: 1 variant allele.
Comment: CDK16: BP4, BP7